The following is an entry in ClinVar:

ClinVar aggregate classification (germline): Conflicting classifications of pathogenicity. Review status: criteria provided, conflicting classifications (1 of 4 stars). 34 submissions from 32 submitters: Uncertain significance (3); Benign (9); Likely benign (12). 10 of the submissions do not count toward it. Last evaluated 2026-07-01.

Conditions:
RAD51C-related disorder. Also called: RAD51C-related disorders; RAD51C-related condition.
Breast-ovarian cancer, familial, susceptibility to, 3. Also called: RAD51C-Related Breast/Ovarian Cancer. Identifiers: Orphanet 145, MedGen C3150659, MONDO:0013253, OMIM 613399.
Fanconi anemia complementation group O. Also called: RAD51C-Related Fanconi Anemia. Identifiers: Orphanet 84, MedGen C3150653, MONDO:0013248, OMIM 613390.
Hereditary cancer-predisposing syndrome. Also called: Neoplastic Syndromes, Hereditary; Hereditary Cancer Syndrome; Tumor predisposition; Hereditary neoplastic syndrome. Identifiers: Orphanet 140162, MedGen C0027672, MeSH D009386, MONDO:0015356.
Breast and/or ovarian cancer. Identifiers: MedGen CN221562.
Hereditary breast ovarian cancer syndrome. Also called: BRCA1- and BRCA2-Associated Hereditary Breast and Ovarian Cancer; Hereditary breast and ovarian cancer syndrome; Hereditary breast and ovarian cancer syndrome (HBOC); Hereditary breast and/or ovarian cancer syndrome; Hereditary breast and ovarian cancer; Breast and ovarian cancer. Identifiers: Orphanet 145, MedGen C0677776, MeSH D061325, MONDO:0003582. Disease mechanism: loss of function.
Familial cancer of breast. Also called: BREAST CANCER, FAMILIAL; hereditary breast carcinoma; Hereditary breast cancer. Identifiers: Orphanet 227535, MedGen C0346153, MONDO:0016419, OMIM 114480. Disease mechanism: loss of function.
Malignant tumor of breast. Also called: Malignant breast neoplasm; Cancer breast. Identifiers: MedGen C0006142, MONDO:0007254. Disease mechanism: loss of function.

Allele frequency attached by ClinVar (database versions not stated): gnomAD exomes 0.00175; gnomAD 0.00182 and 0.00207; TOPMed 0.00215; ExAC 0.00185; ESP Exome Variant Server 0.00308.

Submissions 1 to 21 of 34:

CeGaT Center for Human Genetics Tuebingen
Classification: Likely benign. Last evaluated: 2026-07-01. Review status: criteria provided, single submitter. Criteria: CeGaT Center For Human Genetics Tuebingen Variant Classification Criteria Version 2. Collection method: clinical testing. Allele origin: germline. Affected: yes. Observed: 21 variant alleles.
Comment: RAD51C: BS2

Labcorp Genetics (formerly Invitae), Labcorp
Classification: Benign for Fanconi anemia complementation group O. Last evaluated: 2026-02-03. Review status: criteria provided, single submitter. Criteria: Invitae Variant Classification Sherloc (09022015). Collection method: clinical testing. Allele origin: germline.

Mayo Clinic Laboratories, Mayo Clinic
Classification: Likely benign. Last evaluated: 2025-11-25. Review status: criteria provided, single submitter. Criteria: ACMG Guidelines, 2015. Collection method: clinical testing. Allele origin: germline. Observed: 7 variant alleles.
Comment: BS1, BS3_supporting, BP4

Laboratorio de I+D, Fundación Centro Médico de Asturias
Classification: Benign for Hereditary cancer-predisposing syndrome. Last evaluated: 2025-07-17. Review status: criteria provided, single submitter. Criteria: ACMG Guidelines, 2015. Collection method: clinical testing. Allele origin: germline.
Comment: BS1+BS2+BP4_Moderate+BP1

ARUP Laboratories, Molecular Genetics and Genomics, ARUP Laboratories
Classification: Likely benign. Last evaluated: 2025-07-02. Review status: criteria provided, single submitter. Criteria: ARUP Molecular Germline Variant Investigation Process 2024. Collection method: clinical testing. Allele origin: germline.

Quest Diagnostics Nichols Institute San Juan Capistrano
Classification: Benign. Last evaluated: 2025-03-07. Review status: criteria provided, single submitter. Criteria: Quest Diagnostics criteria. Collection method: clinical testing. Allele origin: unknown.

Center for Genomic Medicine, Rigshospitalet, Copenhagen University Hospital
Classification: Likely benign. Last evaluated: 2025-03-04. Review status: criteria provided, single submitter. Criteria: ACMG Guidelines, 2015. Collection method: clinical testing. Allele origin: germline.

Blueprint Genetics
Classification: Likely benign. Last evaluated: 2024-11-26. Review status: criteria provided, single submitter. Criteria: ACMG Guidelines, 2015. Collection method: clinical testing. Allele origin: germline.

Mendelics
Classification: Benign for Hereditary breast ovarian cancer syndrome. Last evaluated: 2023-08-22. Review status: criteria provided, single submitter. Criteria: Mendelics Assertion Criteria 2019. Collection method: clinical testing. Allele origin: germline.

CHEO Genetics Diagnostic Laboratory, Children's Hospital of Eastern Ontario
Classification: Likely benign for Breast and/or ovarian cancer. Last evaluated: 2023-06-29. Review status: criteria provided, single submitter. Criteria: ACMG Guidelines, 2015. Collection method: clinical testing. Allele origin: germline.

Myriad Genetics, Inc.
Classification: Likely benign for Breast-ovarian cancer, familial, susceptibility to, 3. Last evaluated: 2023-04-06. Review status: criteria provided, single submitter. Criteria: Myriad Autosomal Dominant, Autosomal Recessive and X-Linked Classification Criteria (2023). Collection method: clinical testing. Allele origin: unknown.
Comment: This variant is considered likely benign. This variant is strongly associated with less severe personal and family histories of cancer, typical for individuals without pathogenic variants in this gene [PMID: 25085752].

Genetics and Molecular Pathology, SA Pathology
Classification: Benign for Familial cancer of breast. Last evaluated: 2022-06-17. Review status: criteria provided, single submitter. Criteria: ACMG Guidelines, 2015. Collection method: clinical testing. Allele origin: germline. Affected: yes.

Institute for Clinical Genetics, University Hospital TU Dresden, University Hospital TU Dresden
Classification: Likely benign. Last evaluated: 2021-11-03. Review status: criteria provided, single submitter. Criteria: ACMG Guidelines, 2015. Collection method: clinical testing. Allele origin: germline.

Genetic Services Laboratory, University of Chicago
Classification: Likely benign. Last evaluated: 2021-10-08. Review status: criteria provided, single submitter. Criteria: ACMG Guidelines, 2015. Collection method: clinical testing. Allele origin: germline. Affected: no.

Sema4
Classification: Benign for Hereditary cancer-predisposing syndrome. Last evaluated: 2020-07-28. Review status: criteria provided, single submitter. Criteria: Sema4 Curation Guidelines. Collection method: curation. Allele origin: germline.

GeneDx
Classification: Benign. Last evaluated: 2020-03-25. Review status: criteria provided, single submitter. Criteria: GeneDx Variant Classification Process June 2021. Collection method: clinical testing. Allele origin: germline. Affected: yes.
Comment: This variant is associated with the following publications: (PMID: 26406419, 24800917, 27978560, 27443514, 25980754, 26740214, 20400964, 22167183, 21750962, 22538716, 22725699, 22370629, 24315737, 21616938, 24993905, 25470109, 25318351, 24504028, 21990120, 27153395, 27621404, 27878467, 26976419, 26261251, 21537932, 27622768, 28829762, 29458332, 28678401, 23117857, 30374176, 26483394, 30309722, 31159747)

Ambry Genetics
Classification: Likely benign for Hereditary cancer-predisposing syndrome. Last evaluated: 2019-02-12. Review status: criteria provided, single submitter. Criteria: Ambry Variant Classification Scheme 2023. Collection method: clinical testing. Allele origin: germline.

GeneKor MSA
Classification: Likely benign for Hereditary cancer-predisposing syndrome. Last evaluated: 2018-08-01. Review status: criteria provided, single submitter. Criteria: ACMG Guidelines, 2015. Collection method: clinical testing. Allele origin: germline. Affected: yes.

Institute for Biomarker Research, Medical Diagnostic Laboratories, L.L.C.
Classification: Uncertain significance for Hereditary cancer-predisposing syndrome. Last evaluated: 2018-05-23. Review status: criteria provided, single submitter. Criteria: ACMG Guidelines, 2015. Collection method: clinical testing. Allele origin: germline.

University of Washington Department of Laboratory Medicine, University of Washington
Classification: Likely benign for Breast-ovarian cancer, familial 3. Last evaluated: 2018-05-09. Review status: criteria provided, single submitter. Criteria: Tsai GJ et al. (Genet Med 2018). Collection method: research. Allele origin: germline. Inheritance: Autosomal dominant inheritance. Affected: yes.
Comment: The RAD51C variant designated as NM_058216.2: c.790G>A (p.G264S) is classified as likely benign. Cosegregation analysis of two observed families was performed using an online resource (RaÃ±ola et al, 2018, PMID:28965303). The results are a combined likelihood ratio of 1.553 (Thompson, et al., 2003, PMID:2900794), which provides supporting evidence that the variant is pathogenic. However, this variant has been reported to be present in approximately 1 in every 161 individuals with European ancestry and South Asian ancestry, which is more common than known ovarian cancer risk variants. This population frequency is not consistent with a high-risk cancer variant and supports a classification of likely benign. Additionally, this variant has been reported in multiple families with breast and ovarian cancer who also tested positive for known pathogenic mutations in BRCA1 and BRCA2. Bayesian analysis integrating all of this data (Tavtigian et al, 2018, PMID:29300386) gives a less than 1% probability of pathogenicity, which is consistent with a classification of likely benign. This variant is not predicted to alter RAD51C function or modify cancer risk for breast and ovarian cancer. A modest (less than 2 fold) increase in cancer risk due to this variant cannot be entirely excluded. This variant is not predicted to alter EPCAM function or modify risk for Lynch syndrome. This analysis was performed in conjunction with the family studies project as part of the University of Washington Find My Variant Study.

Illumina Laboratory Services, Illumina
Classification: Uncertain significance for Fanconi anemia complementation group O. Last evaluated: 2017-12-18. Review status: criteria provided, single submitter. Criteria: ICSL Variant Classification Criteria 13 December 2019. Collection method: clinical testing. Allele origin: germline.
Comment: This variant was observed as part of a predisposition screen in an ostensibly healthy population. A literature search was performed for the gene, cDNA change, and amino acid change (where applicable). Publications were found based on this search. However, the evidence from the literature, in combination with allele frequency data from public databases where available, was not sufficient to rule this variant in or out of causing disease. Therefore, this variant is classified as a variant of unknown significance.

NM_058216.3(RAD51C):c.790G>A (p.Gly264Ser)

Gene: RAD51C (RAD51 paralog C; plus strand). Cytogenetic location: 17q22.
Variant type: single nucleotide variant.
Coding change: c.790G>A on transcript NM_058216.3 (MANE Select); coding-DNA position 790, G replaced by A.
Protein change: p.Gly264Ser; replaces glycine 264 with serine.
Molecular consequence: missense variant. On other transcripts: non-coding transcript variant (1).
Genome position (GRCh38, 1-based): chr17:58,709,943, G>A. VCF-style: chr17-58709943-G-A. GRCh37 (hg19) VCF-style: chr17-56787304-G-A.
Other names: p.G264S:GGC>AGC; short protein forms G264S.
Identifiers: ClinVar variation 128211 (VCV000128211.101), dbSNP rs147241704, ClinGen allele CA208307.